The following is an entry in ClinVar:

NM_133261.3(GIPC3):c.79C>T (p.Pro27Ser)

Gene: GIPC3 (GIPC PDZ domain containing family member 3; plus strand). Cytogenetic location: 19p13.3.
Variant type: single nucleotide variant.
Coding change: c.79C>T on transcript NM_133261.3 (MANE Select); coding-DNA position 79, C replaced by T.
Protein change: p.Pro27Ser; replaces proline 27 with serine.
Molecular consequence: missense variant.
Genome position (GRCh38, 1-based): chr19:3,585,676, C>T. VCF-style: chr19-3585676-C-T. GRCh37 (hg19) VCF-style: chr19-3585674-C-T.
Other names: c.79C>T (NM_133261.2); short protein forms P27S.
Identifiers: ClinVar variation 1372991 (VCV001372991.7), dbSNP rs370730002, ClinGen allele CA304414336.

ClinVar aggregate classification (germline): Conflicting classifications of pathogenicity. Review status: criteria provided, conflicting classifications (1 of 4 stars). 3 submissions from 3 submitters: Uncertain significance (2); Likely benign (1). Last evaluated 2025-08-04.

Conditions:
GIPC3-related disorder. Also called: GIPC3-related condition.

Allele frequency attached by ClinVar (database versions not stated): gnomAD 0.00020 and 0.00021; TOPMed 0.00026.
gnomAD v4.1: 121 of 1,333,314 alleles (0.0091%); highest among the groups gnomAD compares: East Asian, 0.12%; no homozygotes.

Submissions (3):

PreventionGenetics, part of Exact Sciences
Classification: Likely benign for GIPC3-related condition. Last evaluated: 2025-08-04. Review status: criteria provided, single submitter. Criteria: ACMG Guidelines, 2015. Collection method: clinical testing. Allele origin: germline.
Comment: This variant is classified as likely benign based on ACMG/AMP sequence variant interpretation guidelines (Richards et al. 2015 PMID: 25741868, with internal and published modifications).

Blueprint Genetics
Classification: Uncertain significance. Last evaluated: 2024-03-22. Review status: criteria provided, single submitter. Criteria: ACMG Guidelines, 2015. Collection method: clinical testing. Allele origin: germline.

Labcorp Genetics (formerly Invitae), Labcorp
Classification: Uncertain significance. Last evaluated: 2022-03-12. Review status: criteria provided, single submitter. Criteria: Invitae Variant Classification Sherloc (09022015). Collection method: clinical testing. Allele origin: germline.
Comment: This sequence change replaces proline, which is neutral and non-polar, with serine, which is neutral and polar, at codon 27 of the GIPC3 protein (p.Pro27Ser). The frequency data for this variant in the population databases is considered unreliable, as metrics indicate poor data quality at this position in the gnomAD database. This variant has not been reported in the literature in individuals affected with GIPC3-related conditions. Algorithms developed to predict the effect of missense changes on protein structure and function output the following: SIFT: "Tolerated"; PolyPhen-2: "Not Available"; Align-GVGD: "Class C0". The serine amino acid residue is found in multiple mammalian species, which suggests that this missense change does not adversely affect protein function. In summary, the available evidence is currently insufficient to determine the role of this variant in disease. Therefore, it has been classified as a Variant of Uncertain Significance.